The following is an entry in ClinVar:

NM_002485.5(NBN):c.702+9G>A

Gene: NBN (nibrin; minus strand). Cytogenetic location: 8q21.3.
Variant type: single nucleotide variant.
Coding change: c.702+9G>A on transcript NM_002485.5 (MANE Select); 9 bases into the intron after coding-DNA position 702, G replaced by A.
Molecular consequence: intron variant.
Genome position (GRCh38, 1-based): chr8:89,971,164, C>T on the plus strand (G>A on the coding strand, the complement: NBN is on the minus strand). VCF-style: chr8-89971164-C-T. GRCh37 (hg19) VCF-style: chr8-90983392-C-T.
Other names: c.456+9G>A (NM_001024688.3).
Identifiers: ClinVar variation 439225 (VCV000439225.29), dbSNP rs748373099, ClinGen allele CA4802910.

ClinVar aggregate classification (germline): Conflicting classifications of pathogenicity. Review status: criteria provided, conflicting classifications (1 of 4 stars). 9 submissions from 9 submitters: Uncertain significance (1); Benign (1); Likely benign (6). 1 of the submissions does not count toward it. Last evaluated 2025-10-29.

Conditions:
Microcephaly, normal intelligence and immunodeficiency (NBS). Also called: Ataxia telangiectasia variant V1; SEEMANOVA SYNDROME II; Nijmegen breakage syndrome; Microcephaly with normal intelligence immunodeficiency and lymphoreticular malignancies; Nonsyndromal microcephaly autosomal recessive with normal intelligence; Seemanova syndrome 2. Identifiers: Orphanet 647, MedGen C0398791, MONDO:0009623, OMIM 251260.
Malignant tumor of breast. Also called: Malignant breast neoplasm; Cancer breast. Identifiers: MedGen C0006142, MONDO:0007254. Disease mechanism: loss of function.
Hereditary cancer-predisposing syndrome. Also called: Hereditary Cancer Syndrome; Hereditary neoplastic syndrome; Neoplastic Syndromes, Hereditary; Tumor predisposition. Identifiers: Orphanet 140162, MedGen C0027672, MeSH D009386, MONDO:0015356.

Allele frequency attached by ClinVar (database versions not stated): ExAC below 0.00001; gnomAD exomes 0.00002 and 0.00005; TOPMed 0.00002; gnomAD 0.00003.
gnomAD v4.1: 31 of 1,610,256 alleles (0.0019%); highest among the groups gnomAD compares: Admixed American, 0.032%; no homozygotes.

Submissions (9):

Labcorp Genetics (formerly Invitae), Labcorp
Classification: Likely benign for Microcephaly, normal intelligence and immunodeficiency. Last evaluated: 2025-10-29. Review status: criteria provided, single submitter. Criteria: Invitae Variant Classification Sherloc (09022015). Collection method: clinical testing. Allele origin: germline.

Quest Diagnostics Nichols Institute San Juan Capistrano
Classification: Likely benign. Last evaluated: 2024-01-09. Review status: criteria provided, single submitter. Criteria: Quest Diagnostics criteria. Collection method: clinical testing. Allele origin: unknown.

Institute for Biomarker Research, Medical Diagnostic Laboratories, L.L.C.
Classification: Likely benign for Hereditary cancer-predisposing syndrome. Last evaluated: 2023-06-22. Review status: criteria provided, single submitter. Criteria: ACMG Guidelines, 2015. Collection method: clinical testing. Allele origin: germline.

Blueprint Genetics
Classification: Likely benign. Last evaluated: 2021-12-21. Review status: criteria provided, single submitter. Criteria: ACMG Guidelines, 2015. Collection method: clinical testing. Allele origin: germline.

Genome-Nilou Lab
Classification: Likely benign for Microcephaly, normal intelligence and immunodeficiency. Last evaluated: 2021-11-07. Review status: criteria provided, single submitter. Criteria: ACMG Guidelines, 2015. Collection method: clinical testing. Allele origin: germline. Affected: no.

PreventionGenetics, part of Exact Sciences
Classification: Likely benign. Last evaluated: 2017-05-30. Review status: criteria provided, single submitter. Criteria: ACMG Guidelines, 2015. Collection method: clinical testing. Allele origin: germline.

Illumina Laboratory Services, Illumina
Classification: Uncertain significance for Microcephaly, normal intelligence and immunodeficiency. Last evaluated: 2017-04-28. Review status: criteria provided, single submitter. Criteria: ICSL Variant Classification Criteria 13 December 2019. Collection method: clinical testing. Allele origin: germline.
Comment: This variant was observed as part of a predisposition screen in an ostensibly healthy population. A literature search was performed for the gene, cDNA change, and amino acid change (where applicable). Publications were found based on this search. However, the evidence from the literature, in combination with allele frequency data from public databases where available, was not sufficient to rule this variant in or out of causing disease. Therefore, this variant is classified as a variant of unknown significance.

GeneDx
Classification: Benign. Last evaluated: 2015-03-03. Review status: criteria provided, single submitter. Criteria: GeneDx Variant Classification Process June 2021. Collection method: clinical testing. Allele origin: germline. Affected: yes.

Department of Pathology and Laboratory Medicine, Sinai Health System
Classification: Uncertain significance for Malignant tumor of breast. Review status: no assertion criteria provided. Collection method: clinical testing. Allele origin: unknown. Affected: yes. Study: The Canadian Open Genetics Repository (COGR). Not counted in ClinVar's aggregate classification.
Comment: The NBN c.702+9G>A variant was not identified in the literature nor was it identified in LOVD 3.0. The variant was identified in dbSNP (ID: rs748373099) as "With Uncertain significance allele", and in ClinVar (classified as likely being by Invitae, Color, and Prevention Genetics; as uncertain significance by one clinical laboratory). The variant was identified in control databases in 13 of 275958 chromosomes at a frequency of 0.00005 (Genome Aggregation Database Feb 27, 2017). The variant was observed in the following populations: Other in 1 of 6418 chromosomes (freq: 0.0002), Latino in 11 of 34290 chromosomes (freq: 0.0003), European in 1 of 125966 chromosomes (freq: 0.000008), while the variant was not observed in the African, Ashkenazi Jewish, East Asian, Finnish, or South Asian populations. The variant occurs outside of the splicing consensus sequence and in silico or computational prediction software programs (SpliceSiteFinder, MaxEntScan, NNSPLICE, GeneSplicer) do not predict a difference in splicing. In summary, based on the above information the clinical significance of this variant cannot be determined with certainty at this time. This variant is classified as a variant of uncertain significance.

Literature cited by the submitters: PubMed 22491912 (cited by Quest Diagnostics Nichols Institute San Juan Capistrano and Illumina Laboratory Services, Illumina).